The following is an entry in ClinVar:

ClinVar aggregate classification (germline): Uncertain significance (1 of 4 stars; one submission).

Conditions:
Familial adenomatous polyposis 1 (FAP1). Also called: FAMILIAL ADENOMATOUS POLYPOSIS 1, ATTENUATED; POLYPOSIS, ADENOMATOUS INTESTINAL. Identifiers: MedGen C2713442, MONDO:0021056, OMIM 175100. Disease mechanism: loss of function.

Submission:

Labcorp Genetics (formerly Invitae), Labcorp
Classification: Uncertain significance for Familial adenomatous polyposis 1. Last evaluated: 2024-06-04. Review status: criteria provided, single submitter. Criteria: Invitae Variant Classification Sherloc (09022015). Collection method: clinical testing. Allele origin: germline.
Comment: This variant, c.329_330insTCG, results in the insertion of 1 amino acid(s) of the APC protein (p.Cys110_Ser111insArg), but otherwise preserves the integrity of the reading frame. This variant is not present in population databases (gnomAD no frequency). This variant has not been reported in the literature in individuals affected with APC-related conditions. In summary, the available evidence is currently insufficient to determine the role of this variant in disease. Therefore, it has been classified as a Variant of Uncertain Significance.

NM_000038.6(APC):c.329_330insTCG (p.Cys110_Ser111insArg)

Gene: APC (APC regulator of Wnt signaling pathway; plus strand). Cytogenetic location: 5q22.2.
Variant type: Insertion.
Coding change: c.329_330insTCG on transcript NM_000038.6 (MANE Select); coding-DNA positions 329 to 330, TCG inserted.
Protein change: p.Cys110_Ser111insArg.
Molecular consequence: 5 prime UTR variant (on NM_001354906.2). On other transcripts: non-coding transcript variant (2).
Genome position: GRCh38 VCF-style: chr5-112767296-T-TGTC. GRCh37 (hg19) VCF-style: chr5-112102993-T-TGTC.
Other names: c.329_330insTCG, p.Cys110_Ser111insArg (NM_001127510.3, NM_001354895.2, NM_001354896.2 and 16 more transcripts); c.359_360insTCG, p.Cys120_Ser121insArg (NM_001127511.3, NM_001354897.2, NM_001354902.2 and 1 more transcripts); c.254_255insTCG, p.Cys85_Ser86insArg (NM_001354898.2, NM_001354904.2, NM_001407451.1); c.152_153insTCG, p.Cys51_Ser52insArg (NM_001354900.2, NM_001354901.2, NM_001354905.2 and 1 more transcripts); c.-707_-706insTCG (NM_001354906.2, NM_001407470.1, NM_001407471.1 and 1 more transcripts).
Identifiers: ClinVar variation 3655474 (VCV003655474.2).